The following is an entry in ClinVar:

ClinVar aggregate classification (germline): Pathogenic (1 of 4 stars; one submission).

Conditions:
Fanconi anemia complementation group A (FANCA). Also called: FANCA-Related Fanconi Anemia; Fanconi anemia, group A. Identifiers: Orphanet 84, MedGen C3469521, MONDO:0009215, OMIM 227650.

Submission:

Myriad Genetics, Inc.
Classification: Pathogenic for Fanconi anemia complementation group A. Last evaluated: 2025-11-25. Review status: criteria provided, single submitter. Criteria: Myriad Autosomal Dominant, Autosomal Recessive and X-Linked Classification Criteria (2023). Collection method: clinical testing. Allele origin: unknown.
Comment: NM_000135.2(FANCA):c.2222+2T>G is a variant in a canonical splice site classified as pathogenic in the context of Fanconi anemia complementation group A. c.2222+2T>G has not been observed in cases with relevant disease. Relevant functional assessments of this variant are not available in the literature. c.2222+2T>G has not been observed in referenced population frequency databases. In summary, NM_000135.2(FANCA):c.2222+2T>G is a variant in a canonical splice site in a gene where loss of function is a known mechanism of disease and is predicted to disrupt protein function. Please note: this variant was assessed in the context of healthy population screening.

NM_000135.4(FANCA):c.2222+2T>G

Gene: FANCA (FA complementation group A; minus strand). Cytogenetic location: 16q24.3.
Variant type: single nucleotide variant.
Coding change: c.2222+2T>G on transcript NM_000135.4 (MANE Select); the canonical splice donor site of the intron after coding-DNA position 2222, T replaced by G.
Molecular consequence: splice donor variant.
Genome position (GRCh38, 1-based): chr16:89,770,562, A>C on the plus strand (T>G on the coding strand, the complement: FANCA is on the minus strand). VCF-style: chr16-89770562-A-C. GRCh37 (hg19) VCF-style: chr16-89836970-A-C.
Other names: c.2222+2T>G (NM_001286167.3).
Identifiers: ClinVar variation 5004298 (VCV005004298.1).
Genomic context (GRCh38, chr16:89,770,562, plus strand): 5'-GGCCCAGCAAGAGGTGGCACCCAGAGGAGCCCCACCACTCAGGGAGCTGCCCGCGCCTTC[A>C]CCTCTCCGGGGGAGCGACACTGGAGGCAGCCATCAGGTTCTGACAGAAAGACGTCAGCAG-3'